The following is an entry in ClinVar:

ClinVar aggregate classification (germline): Conflicting classifications of pathogenicity. Review status: criteria provided, conflicting classifications (1 of 4 stars). 12 submissions from 12 submitters: Pathogenic (7); Likely pathogenic (1); Uncertain significance (1). 3 of the submissions do not count toward it. Last evaluated 2026-03-12.

Conditions:
Retinitis pigmentosa (RP). Identifiers: Orphanet 791, MedGen C0035334, MeSH D012174, MONDO:0019200, OMIM 268000. Inheritance: Autosomal dominant, autosomal recessive and X linked inheritance.
CNGB1-related disorder. Also called: CNGB1-related condition.
Retinal dystrophy. Also called: Inherited retinal dystrophy. Identifiers: Orphanet 71862, MedGen C0854723, MeSH D058499, MONDO:0019118, HP:0000556.
Retinitis pigmentosa 45 (RP45). Identifiers: Orphanet 791, MedGen C3151066, MONDO:0013413, OMIM 613767.

Allele frequency attached by ClinVar (database versions not stated): gnomAD 0.00010; 1000 Genomes Project 0.00020; TOPMed 0.00008; ESP Exome Variant Server 0.00016; 1000 Genomes Project 30x 0.00016.
gnomAD v4.1: 112 of 1,614,014 alleles (0.0069%); highest among the groups gnomAD compares: Middle Eastern, 0.016%; no homozygotes.

Submissions (12):

PreventionGenetics, part of Exact Sciences
Classification: Pathogenic for CNGB1-related condition. Last evaluated: 2026-03-12. Review status: criteria provided, single submitter. Criteria: ACMG Guidelines, 2015. Collection method: clinical testing. Allele origin: germline.
Comment: The CNGB1 c.413-1G>A variant is predicted to disrupt the AG splice acceptor site and interfere with normal splicing. This variant has been reported along with a second CNGB1 variant in individuals with retinitis pigmentosa (see for examples: Table S1, Weisschuh et al. 2020. PubMed ID: 32531858; Table S1, Karali et al. 2022. PubMed ID: 36460718; Table S4, Panneman et al. 2023. PubMed ID: 36819107). This variant is present in 0.026% of alleles in individuals of South Asian descent in gnomAD. Variants that disrupt the consensus splice acceptor site in CNGB1 are an established mechanism of disease. This variant is interpreted as pathogenic.

Labcorp Genetics (formerly Invitae), Labcorp
Classification: Pathogenic. Last evaluated: 2026-01-18. Review status: criteria provided, single submitter. Criteria: Invitae Variant Classification Sherloc (09022015). Collection method: clinical testing. Allele origin: germline.
Comment: This sequence change affects an acceptor splice site in intron 6 of the CNGB1 gene. RNA analysis indicates that disruption of this splice site induces altered splicing and may result in an absent or altered protein product. This variant is present in population databases (rs189234741, gnomAD 0.03%). Disruption of this splice site has been observed in individuals with retinitis pigmentosa (PMID: 25943428). It has also been observed to segregate with disease in related individuals. This variant is also known as IVS6-1G>A. ClinVar contains an entry for this variant (Variation ID: 437976). Studies have shown that disruption of this splice site results in activation of a cryptic splice acceptor, and produces a non-functional protein and/or introduces a premature termination codon (PMID: 25943428). For these reasons, this variant has been classified as Pathogenic.

Fulgent Genetics
Classification: Pathogenic for Retinitis pigmentosa 45. Last evaluated: 2024-05-10. Review status: criteria provided, single submitter. Criteria: ACMG Guidelines, 2015. Collection method: clinical testing. Allele origin: germline.

Blueprint Genetics
Classification: Pathogenic for CNGB1-related disorders. Last evaluated: 2024-02-19. Review status: criteria provided, single submitter. Criteria: ACMG Guidelines, 2015. Collection method: clinical testing. Allele origin: germline. Affected: yes. Observed: 5 variant alleles.

Institute of Human Genetics, Univ. Regensburg, Univ. Regensburg
Classification: Pathogenic for Retinal dystrophy. Last evaluated: 2023-01-01. Review status: criteria provided, single submitter. Criteria: ACMG Guidelines, 2015. Collection method: clinical testing. Allele origin: germline. Affected: yes.

Ocular Genomics Institute, Massachusetts Eye and Ear
Classification: Pathogenic for Retinitis pigmentosa 45. Last evaluated: 2021-04-08. Review status: criteria provided, single submitter. Criteria: ACMG Guidelines, 2015. Collection method: research. Allele origin: germline. Affected: yes.
Comment: Through a review of available evidence we were able to apply the following criteria: PVS1, PP1-M, PM3, PM2. Based on this evidence we have classified this variant as Pathogenic.

Illumina Laboratory Services, Illumina
Classification: Likely pathogenic for Retinitis pigmentosa. Last evaluated: 2018-10-18. Review status: criteria provided, single submitter. Criteria: ICSL Variant Classification Criteria 09 May 2019. Collection method: clinical testing. Allele origin: germline.
Comment: The CNGB1 c.413-1G>A variant has been reported in three studies in at least four probands with retinitis pigmentosa, all in a homozygous state (Azam et al. 2011; Saqib et al. 2015; van Huet et al. 2015). Two of these probands were siblings and their unaffected parents were shown to carry the variant in a heterozygous state. Control data are not available for this variant which is reported at a frequency of 0.00024 in the South Asian population from the Exome Aggregation Consortium. When this variant was incorporated into a vector which was transfected into HeLa cells and retrotranscribed, the cDNA demonstrated a frameshift and introduction of a premature stop codon (Saqib et al. 2015). Based on the evidence and due to the potential impact of splice acceptor variants, the c.413-1G>A variant is classified as likely pathogenic for autosomal recessive retinitis pigmentosa. This variant was observed by ICSL as part of a predisposition screen in an ostensibly healthy population.

Genetics Laboratory, Department of Biology, Semnan University
Classification: Uncertain significance for Retinitis pigmentosa 45. Last evaluated: 2017-07-22. Review status: criteria provided, single submitter. Criteria: ACMG Guidelines, 2015. Collection method: research. Allele origin: germline. Affected: no. Observed: 1 variant allele, 1 heterozygote.
Comment: The identified mutation changes splicing process of CNGB1 gene. Hence, this mutation may affect this important phenomenon and so, changes CNGB1 protein function.

Clinical Genetics Service, Universitary Hospital 12 de Octubre
Classification: Pathogenic for Retinitis pigmentosa 45. Review status: criteria provided, single submitter. Criteria: ACMG Guidelines, 2015. Collection method: clinical testing. Allele origin: germline. Affected: yes.

Sharon lab, Hadassah-Hebrew University Medical Center
Classification: Pathogenic for Retinitis pigmentosa. Last evaluated: 2019-06-23. Review status: no assertion criteria provided. Collection method: research. Allele origin: inherited. Affected: yes. Not counted in ClinVar's aggregate classification.

Joint Genome Diagnostic Labs from Nijmegen and Maastricht, Radboudumc and MUMC+
Classification: Pathogenic for Retinitis pigmentosa 45. Last evaluated: 2016-09-01. Review status: no assertion criteria provided. Collection method: clinical testing. Allele origin: unknown. Affected: yes. Observed: 1 variant allele. Not counted in ClinVar's aggregate classification.

NIHR Bioresource Rare Diseases, University of Cambridge
Classification: Pathogenic for Retinitis pigmentosa. Last evaluated: 2015-01-01. Review status: no assertion criteria provided. Collection method: research. Allele origin: unknown. Affected: yes. Observed: 1 variant allele. Not counted in ClinVar's aggregate classification.

Literature cited by the submitters: PubMed 25943428 (cited by 4 submitters); PubMed 21987686 (cited by 4 submitters); PubMed 31589614 (cited by Institute of Human Genetics, Univ. Regensburg, Univ. Regensburg); PubMed 31345219 (cited by Institute of Human Genetics, Univ. Regensburg, Univ. Regensburg); PubMed 31964843 (cited by Institute of Human Genetics, Univ. Regensburg, Univ. Regensburg); PubMed 31980526 (cited by Institute of Human Genetics, Univ. Regensburg, Univ. Regensburg); PubMed 31456290 (cited by Institute of Human Genetics, Univ. Regensburg, Univ. Regensburg); PubMed 32581362 (cited by Institute of Human Genetics, Univ. Regensburg, Univ. Regensburg); PubMed 32531858 (cited by Institute of Human Genetics, Univ. Regensburg, Univ. Regensburg); PubMed 33576794 (cited by Institute of Human Genetics, Univ. Regensburg, Univ. Regensburg); PubMed 34426522 (cited by Institute of Human Genetics, Univ. Regensburg, Univ. Regensburg); PubMed 36460718 (cited by Institute of Human Genetics, Univ. Regensburg, Univ. Regensburg); PubMed 35456422 (cited by Institute of Human Genetics, Univ. Regensburg, Univ. Regensburg); PubMed 36819107 (cited by Institute of Human Genetics, Univ. Regensburg, Univ. Regensburg); PubMed 28041643 (cited by Ocular Genomics Institute, Massachusetts Eye and Ear and NIHR Bioresource Rare Diseases, University of Cambridge); PubMed 25999674 (cited by Ocular Genomics Institute, Massachusetts Eye and Ear and Illumina Laboratory Services, Illumina); PubMed 24043777 (cited by Ocular Genomics Institute, Massachusetts Eye and Ear); DOI 10.1016/j.ajoc.2020.100780 (cited by Genetics Laboratory, Department of Biology, Semnan University).

NM_001297.5(CNGB1):c.413-1G>A

Gene: CNGB1 (cyclic nucleotide gated channel subunit beta 1; minus strand). Cytogenetic location: 16q21.
Variant type: single nucleotide variant.
Coding change: c.413-1G>A on transcript NM_001297.5 (MANE Select); the canonical splice acceptor site of the intron before coding-DNA position 413, G replaced by A.
Molecular consequence: splice acceptor variant.
Genome position (GRCh38, 1-based): chr16:57,962,611, C>T on the plus strand (G>A on the coding strand, the complement: CNGB1 is on the minus strand). VCF-style: chr16-57962611-C-T. GRCh37 (hg19) VCF-style: chr16-57996515-C-T.
Other names: c.413-1G>A (NM_001286130.2, NM_001135639.2).
Identifiers: ClinVar variation 437976 (VCV000437976.24), dbSNP rs189234741, ClinGen allele CA8083831.